The following is an entry in ClinVar:

ClinVar aggregate classification (germline): Uncertain significance. Review status: criteria provided, multiple submitters, no conflicts (2 of 4 stars). 2 submissions from 2 submitters: Uncertain significance (2). Last evaluated 2026-07-24.

Conditions:
Familial cancer of breast. Also called: Hereditary breast cancer; BREAST CANCER, FAMILIAL; hereditary breast carcinoma. Identifiers: Orphanet 227535, MedGen C0346153, MONDO:0016419, OMIM 114480. Disease mechanism: loss of function.
Hereditary cancer-predisposing syndrome. Also called: Tumor predisposition; Hereditary neoplastic syndrome; Hereditary Cancer Syndrome; Neoplastic Syndromes, Hereditary. Identifiers: Orphanet 140162, MedGen C0027672, MeSH D009386, MONDO:0015356.

Submissions (2):

Ambry Genetics
Classification: Uncertain significance for Hereditary cancer-predisposing syndrome. Last evaluated: 2026-07-24. Review status: criteria provided, single submitter. Criteria: Ambry Variant Classification Scheme 2023. Collection method: clinical testing. Allele origin: germline.
Comment: The p.P229S variant (also known as c.685C>T), located in coding exon 4 of the PALB2 gene, results from a C to T substitution at nucleotide position 685. The proline at codon 229 is replaced by serine, an amino acid with similar properties. This amino acid position is conserved. In addition, this alteration is predicted to be tolerated by in silico analysis. Based on the available evidence, the clinical significance of this variant remains unclear.

Labcorp Genetics (formerly Invitae), Labcorp
Classification: Uncertain significance for Familial cancer of breast. Last evaluated: 2025-01-08. Review status: criteria provided, single submitter. Criteria: Invitae Variant Classification Sherloc (09022015). Collection method: clinical testing. Allele origin: germline.
Comment: This sequence change replaces proline, which is neutral and non-polar, with serine, which is neutral and polar, at codon 229 of the PALB2 protein (p.Pro229Ser). This variant is not present in population databases (gnomAD no frequency). This variant has not been reported in the literature in individuals affected with PALB2-related conditions. An algorithm developed to predict the effect of missense changes on protein structure and function outputs the following: PolyPhen-2: "Benign". The serine amino acid residue is found in multiple mammalian species, which suggests that this missense change does not adversely affect protein function. In summary, the available evidence is currently insufficient to determine the role of this variant in disease. Therefore, it has been classified as a Variant of Uncertain Significance.

NM_024675.4(PALB2):c.685C>T (p.Pro229Ser)

Gene: PALB2 (partner and localizer of BRCA2; minus strand). Cytogenetic location: 16p12.2.
Variant type: single nucleotide variant.
Coding change: c.685C>T on transcript NM_024675.4 (MANE Select); coding-DNA position 685, C replaced by T.
Protein change: p.Pro229Ser; replaces proline 229 with serine.
Molecular consequence: missense variant. On other transcripts: 5 prime UTR variant (8), intron variant (3).
Genome position (GRCh38, 1-based): chr16:23,635,861, G>A on the plus strand (C>T on the coding strand, the complement: PALB2 is on the minus strand). VCF-style: chr16-23635861-G-A. GRCh37 (hg19) VCF-style: chr16-23647182-G-A.
Other names: c.-201C>T (NM_001407308.1, NM_001407309.1, NM_001407310.1 and 5 more transcripts); c.48+5249C>T (NM_001407314.1); c.-105+5249C>T (NM_001407313.1, NM_001407312.1); c.625C>T, p.Pro209Ser (NM_001407296.1); c.685C>T, p.Pro229Ser (NM_001407297.1, NM_001407298.1, NM_001407299.1 and 3 more transcripts); short protein forms P229S, P209S.
Identifiers: ClinVar variation 3728673 (VCV003728673.3).